The following is an entry in ClinVar:

ClinVar aggregate classification (germline): Uncertain significance (1 of 4 stars; one submission).

Submission:

Labcorp Genetics (formerly Invitae), Labcorp
Classification: Uncertain significance. Last evaluated: 2022-05-20. Review status: criteria provided, single submitter. Criteria: Invitae Variant Classification Sherloc (09022015). Collection method: clinical testing. Allele origin: germline.
Comment: This variant results in a copy number gain of the genomic region encompassing exon(s) 2-17 of the CNGB1 gene. This region includes the initiator codon of the gene. This copy number gain extends beyond the assayed region for this gene and therefore may encompass additional genes. As the precise location of this event is unknown, it may be in tandem or it may be located elsewhere in the genome. This variant has not been reported in the literature in individuals affected with CNGB1-related conditions. In summary, the available evidence is currently insufficient to determine the role of this variant in disease. Therefore, it has been classified as a Variant of Uncertain Significance.

NC_000016.9:g.(?_57965600)_(58001190_?)dup

Gene: CNGB1 (cyclic nucleotide gated channel subunit beta 1; minus strand). Cytogenetic location: 16q21.
Variant type: Duplication.
Identifiers: ClinVar variation 2424123 (VCV002424123.4).